The following is an entry in ClinVar:

ClinVar aggregate classification (germline): Uncertain significance (1 of 4 stars; one submission).

Submission:

Labcorp Genetics (formerly Invitae), Labcorp
Classification: Uncertain significance. Last evaluated: 2024-02-05. Review status: criteria provided, single submitter. Criteria: Invitae Variant Classification Sherloc (09022015). Collection method: clinical testing. Allele origin: germline.
Comment: This sequence change replaces threonine, which is neutral and polar, with serine, which is neutral and polar, at codon 700 of the POP1 protein (p.Thr700Ser). This variant is not present in population databases (gnomAD no frequency). This variant has not been reported in the literature in individuals affected with POP1-related conditions. ClinVar contains an entry for this variant (Variation ID: 2106418). An algorithm developed to predict the effect of missense changes on protein structure and function (PolyPhen-2) suggests that this variant is likely to be disruptive. In summary, the available evidence is currently insufficient to determine the role of this variant in disease. Therefore, it has been classified as a Variant of Uncertain Significance.

NM_001145860.2(POP1):c.2098A>T (p.Thr700Ser)

Gene: POP1 (POP1 ribonuclease P/MRP subunit; plus strand). Cytogenetic location: 8q22.2.
Variant type: single nucleotide variant.
Coding change: c.2098A>T on transcript NM_001145860.2 (MANE Select); coding-DNA position 2098, A replaced by T.
Protein change: p.Thr700Ser; replaces threonine 700 with serine.
Molecular consequence: missense variant.
Genome position (GRCh38, 1-based): chr8:98,156,090, A>T. VCF-style: chr8-98156090-A-T. GRCh37 (hg19) VCF-style: chr8-99168318-A-T.
Other names: c.2098A>T, p.Thr700Ser (NM_001145861.2, NM_015029.3); short protein forms T700S.
Identifiers: ClinVar variation 2106418 (VCV002106418.4), dbSNP rs2488098206, ClinGen allele CA371773646.